The following is an entry in ClinVar:

NM_138638.5(CFL2):c.*409T>G

Gene: CFL2 (cofilin 2; minus strand). Cytogenetic location: 14q13.1.
Variant type: single nucleotide variant.
Coding change: c.*409T>G on transcript NM_138638.5 (MANE Select); 409 bases downstream of the stop codon, T replaced by G.
Molecular consequence: 3 prime UTR variant. On other transcripts: non-coding transcript variant (2).
Genome position (GRCh38, 1-based): chr14:34,712,456, A>C on the plus strand (T>G on the coding strand, the complement: CFL2 is on the minus strand). VCF-style: chr14-34712456-A-C. GRCh37 (hg19) VCF-style: chr14-35181662-A-C.
Other names: c.*409T>G (NM_001243645.2, NM_021914.8).
Identifiers: ClinVar variation 313091 (VCV000313091.5), dbSNP rs116651711, ClinGen allele CA7152216.

ClinVar aggregate classification (germline): Benign (1 of 4 stars; one submission).

Conditions:
Nemaline myopathy 7 (NEM7). Also called: Nemaline myopathy 7, autosomal recessive. Identifiers: Orphanet 171436, MedGen C1853154, MONDO:0012538, OMIM 610687.

Allele frequency attached by ClinVar (database versions not stated): gnomAD 0.01598 and 0.01734; 1000 Genomes Project 0.01657; TOPMed 0.01780; 1000 Genomes Project 30x 0.01874.
gnomAD v4.1: 3,031 of 456,356 alleles (0.66%); highest among the groups gnomAD compares: African/African-American, 5.4%; 74 homozygotes.

Submission:

Illumina Laboratory Services, Illumina
Classification: Benign for Nemaline myopathy 7. Last evaluated: 2018-01-12. Review status: criteria provided, single submitter. Criteria: ICSL Variant Classification Criteria 13 December 2019. Collection method: clinical testing. Allele origin: germline.
Comment: This variant was observed in the ICSL laboratory as part of a predisposition screen in an ostensibly healthy population. It had not been previously curated by ICSL or reported in the Human Gene Mutation Database (HGMD: prior to June 1st, 2018), and was therefore a candidate for classification through an automated scoring system. Utilizing variant allele frequency, disease prevalence and penetrance estimates, and inheritance mode, an automated score was calculated to assess if this variant is too frequent to cause the disease. Based on the score and internal cut-off values, a variant classified as benign is not then subjected to further curation. The score for this variant resulted in a classification of benign for this disease.